The following is an entry in ClinVar:

ClinVar aggregate classification (germline): Conflicting classifications of pathogenicity. Review status: criteria provided, conflicting classifications (1 of 4 stars). 12 submissions from 12 submitters: Uncertain significance (2); Benign (3); Likely benign (5). 2 of the submissions do not count toward it. Last evaluated 2026-04-01.

Conditions:
TTN-related disorder. Also called: TTN-related condition; TTN-related disease; TTN-related disorders.
Cardiovascular phenotype. Identifiers: MedGen CN230736.
Dilated cardiomyopathy 1G (CMD1G). Identifiers: Orphanet 154, MedGen C1858763, MONDO:0011400, OMIM 604145.
Autosomal recessive limb-girdle muscular dystrophy type 2J (LGMDR10). Also called: Limb-girdle muscular dystrophy, type 2J; MUSCULAR DYSTROPHY, LIMB-GIRDLE, AUTOSOMAL RECESSIVE 10. Identifiers: Orphanet 140922, MedGen C1837342, MONDO:0012127, OMIM 608807.
Cardiomyopathy (CMYO). Also called: Cardiomyopathies. Identifiers: Orphanet 167848, MedGen C0878544, MONDO:0004994, HP:0001638. Inheritance: Various modes of inheritance.
Primary dilated cardiomyopathy (DCM). Also called: Dilated Cardiomyopathy. Identifiers: Orphanet 217604, MedGen C0007193, MeSH D002311, MONDO:0005021, HP:0001644. Inheritance: Various modes of inheritance.

Allele frequency attached by ClinVar (database versions not stated): ESP Exome Variant Server 0.00008; TOPMed 0.00009; gnomAD 0.00011 and 0.00019; 1000 Genomes Project 30x 0.00031; 1000 Genomes Project 0.00040; gnomAD exomes 0.00040 and 0.00076; ExAC 0.00080.
gnomAD v4.1: 627 of 1,613,816 alleles (0.039%); highest among the groups gnomAD compares: South Asian, 0.48%; 5 homozygotes.

Submissions (12):

CeGaT Center for Human Genetics Tuebingen
Classification: Likely benign. Last evaluated: 2026-04-01. Review status: criteria provided, single submitter. Criteria: CeGaT Center For Human Genetics Tuebingen Variant Classification Criteria Version 2. Collection method: clinical testing. Allele origin: germline. Affected: yes. Observed: 16 variant alleles.
Comment: TTN: BS2

Labcorp Genetics (formerly Invitae), Labcorp
Classification: Benign for Dilated cardiomyopathy 1G; Autosomal recessive limb-girdle muscular dystrophy type 2J. Last evaluated: 2026-02-03. Review status: criteria provided, single submitter. Criteria: Invitae Variant Classification Sherloc (09022015). Collection method: clinical testing. Allele origin: germline.

PreventionGenetics, part of Exact Sciences
Classification: Likely benign for TTN-related condition. Last evaluated: 2025-12-17. Review status: criteria provided, single submitter. Criteria: ACMG Guidelines, 2015. Collection method: clinical testing. Allele origin: germline.
Comment: This variant is classified as likely benign based on ACMG/AMP sequence variant interpretation guidelines (Richards et al. 2015 PMID: 25741868, with internal and published modifications).

Blueprint Genetics
Classification: Likely benign. Last evaluated: 2024-08-06. Review status: criteria provided, single submitter. Criteria: ACMG Guidelines, 2015. Collection method: clinical testing. Allele origin: germline.

Women's Health and Genetics/Laboratory Corporation of America, LabCorp
Classification: Likely benign. Last evaluated: 2023-07-09. Review status: criteria provided, single submitter. Criteria: LabCorp Variant Classification Summary - May 2015. Collection method: clinical testing. Allele origin: germline.

CHEO Genetics Diagnostic Laboratory, Children's Hospital of Eastern Ontario
Classification: Benign for Cardiomyopathy. Last evaluated: 2021-11-26. Review status: criteria provided, single submitter. Criteria: ACMG Guidelines, 2015. Collection method: clinical testing. Allele origin: germline.

Ambry Genetics
Classification: Likely benign for Cardiovascular phenotype. Last evaluated: 2019-12-05. Review status: criteria provided, single submitter. Criteria: Ambry Variant Classification Scheme 2023. Collection method: clinical testing. Allele origin: germline.

GeneDx
Classification: Benign. Last evaluated: 2019-05-15. Review status: criteria provided, single submitter. Criteria: GeneDx Variant Classification Process June 2021. Collection method: clinical testing. Allele origin: germline. Affected: yes.
Comment: This variant is associated with the following publications: (PMID: 24503780)

Laboratory for Molecular Medicine, Mass General Brigham Personalized Medicine
Classification: Uncertain significance. Last evaluated: 2012-04-19. Review status: criteria provided, single submitter. Criteria: LMM Criteria. Collection method: clinical testing. Allele origin: germline. Observed: 1 variant allele.
Comment: The Arg31678His variant (TTN) has not been reported in the literature nor previo usly identified by our laboratory. Computational analyses (biochemical amino aci d properties, conservation, AlignGVGD, PolyPhen2, and SIFT) do not provide stron g support for or against an impact to the protein. This variant has been identif ied in 0.01% (1/6620) of European American chromosomes from a broad population b y the NHLBI Exome Sequencing Project (dbSNP ) ; however, this frequency is too low to rule out a disease causing role. In summ ary, additional information is needed to fully assess the clinical significance of the Arg31678His variant.

Genetics and Genomics Program, Sidra Medicine
Classification: Uncertain significance for Primary dilated cardiomyopathy. Review status: criteria provided, single submitter. Criteria: ACMG Guidelines, 2015. Collection method: research. Allele origin: unknown. Affected: yes. Observed: 1 variant allele.

Clinical Genetics DNA and cytogenetics Diagnostics Lab, Erasmus MC, Erasmus Medical Center
Classification: Likely benign. Review status: no assertion criteria provided. Collection method: clinical testing. Allele origin: germline. Affected: yes. Study: VKGL Data-share Consensus. Not counted in ClinVar's aggregate classification.

Clinical Genetics, Academic Medical Center
Classification: Benign. Review status: no assertion criteria provided. Collection method: clinical testing. Allele origin: germline. Affected: yes. Study: VKGL Data-share Consensus. Not counted in ClinVar's aggregate classification.

NM_001267550.2(TTN):c.102737G>A (p.Arg34246His)

Genes: TTN (titin; minus strand), TTN-AS1 (TTN antisense RNA 1; plus strand). Cytogenetic location: 2q31.2.
Variant type: single nucleotide variant.
Coding change: c.102737G>A on transcript NM_001267550.2 (MANE Select); coding-DNA position 102737, G replaced by A.
Protein change: p.Arg34246His; replaces arginine 34246 with histidine.
Molecular consequence: missense variant.
Genome position (GRCh38, 1-based): chr2:178,533,878, C>T on the plus strand (G>A on the coding strand, the complement: TTN is on the minus strand). VCF-style: chr2-178533878-C-T. GRCh37 (hg19) VCF-style: chr2-179398605-C-T.
Other names: c.97814G>A, p.Arg32605His (NM_001256850.1); c.95033G>A, p.Arg31678His (NM_133378.4); c.75542G>A, p.Arg25181His (NM_003319.4); c.75917G>A, p.Arg25306His (NM_133432.3); c.76118G>A, p.Arg25373His (NM_133437.4); short protein forms R34246H, R31678H, R32605H, R25181H, R25373H, R25306H.
Identifiers: ClinVar variation 47654 (VCV000047654.56), dbSNP rs372716177, ClinGen allele CA141618.